The following is an entry in ClinVar:

ClinVar aggregate classification (germline): Uncertain significance. Review status: criteria provided, multiple submitters, no conflicts (2 of 4 stars). 2 submissions from 2 submitters: Uncertain significance (2). Last evaluated 2021-07-13.

Conditions:
Retinoblastoma (RB1). Also called: RETINOBLASTOMA, SOMATIC. Identifiers: Orphanet 790, MedGen C0035335, MeSH D012175, MONDO:0008380, OMIM 180200, HP:0009919. Disease mechanism: loss of function. Inheritance: Both sporadic and heritable forms are tested..
Hereditary cancer-predisposing syndrome. Also called: Tumor predisposition; Neoplastic Syndromes, Hereditary; Hereditary neoplastic syndrome; Hereditary Cancer Syndrome. Identifiers: Orphanet 140162, MedGen C0027672, MeSH D009386, MONDO:0015356.

Submissions (2):

Labcorp Genetics (formerly Invitae), Labcorp
Classification: Uncertain significance for Retinoblastoma. Last evaluated: 2021-07-13. Review status: criteria provided, single submitter. Criteria: Invitae Variant Classification Sherloc (09022015). Collection method: clinical testing. Allele origin: germline.
Comment: ClinVar contains an entry for this variant (Variation ID: 850634). This variant has not been reported in the literature in individuals affected with RB1-related conditions. This variant is not present in population databases (ExAC no frequency). This sequence change replaces methionine with isoleucine at codon 457 of the RB1 protein (p.Met457Ile). The methionine residue is highly conserved and there is a small physicochemical difference between methionine and isoleucine. Algorithms developed to predict the effect of missense changes on protein structure and function are either unavailable or do not agree on the potential impact of this missense change (SIFT: "Deleterious"; PolyPhen-2: "Probably Damaging"; Align-GVGD: "Class C0"). In summary, the available evidence is currently insufficient to determine the role of this variant in disease. Therefore, it has been classified as a Variant of Uncertain Significance.

Ambry Genetics
Classification: Uncertain significance for Hereditary cancer-predisposing syndrome. Last evaluated: 2021-07-12. Review status: criteria provided, single submitter. Criteria: Ambry Variant Classification Scheme 2023. Collection method: clinical testing. Allele origin: germline.
Comment: The p.M457I variant (also known as c.1371G>A), located in coding exon 14 of the RB1 gene, results from a G to A substitution at nucleotide position 1371. The methionine at codon 457 is replaced by isoleucine, an amino acid with highly similar properties. This amino acid position is highly conserved in available vertebrate species. In addition, this alteration is predicted to be deleterious by in silico analysis. Since supporting evidence is limited at this time, the clinical significance of this alteration remains unclear.

Literature cited by the submitters: PubMed 22744425 (cited by Ambry Genetics).

NM_000321.3(RB1):c.1371G>A (p.Met457Ile)

Gene: RB1 (RB transcriptional corepressor 1; plus strand). Cytogenetic location: 13q14.2.
Variant type: single nucleotide variant.
Coding change: c.1371G>A on transcript NM_000321.3 (MANE Select); coding-DNA position 1371, G replaced by A.
Protein change: p.Met457Ile; replaces methionine 457 with isoleucine.
Molecular consequence: missense variant.
Genome position (GRCh38, 1-based): chr13:48,379,632, G>A. VCF-style: chr13-48379632-G-A. GRCh37 (hg19) VCF-style: chr13-48953768-G-A.
Other names: short protein forms M457I.
Identifiers: ClinVar variation 850634 (VCV000850634.12), dbSNP rs1948514269, ClinGen allele CA388162610.
Genomic context (GRCh38, chr13:48,379,632, plus strand): 5'-TTTTCTTTTTGTTTGTTTGTAGCGATACAAACTTGGAGTTCGCTTGTATTACCGAGTAAT[G>A]GAATCCATGCTTAAATCAGTAAGTTAAAAACAATATAAAAAAATTTCAGCCGGGCGCGGT-3'
Protein context (NP_000312.2, residues 447-467): KLGVRLYYRV[Met457Ile]ESMLKSEEER